The following is an entry in ClinVar:

NM_001164508.2(NEB):c.14938C>G (p.Leu4980Val)

Gene: NEB (nebulin; minus strand). Cytogenetic location: 2q23.3.
Variant type: single nucleotide variant.
Coding change: c.14938C>G on transcript NM_001164508.2 (MANE Select); coding-DNA position 14938, C replaced by G.
Protein change: p.Leu4980Val; replaces leucine 4980 with valine.
Molecular consequence: missense variant. On other transcripts: intron variant (1).
Genome position (GRCh38, 1-based): chr2:151,590,197, G>C on the plus strand (C>G on the coding strand, the complement: NEB is on the minus strand). VCF-style: chr2-151590197-G-C. GRCh37 (hg19) VCF-style: chr2-152446711-G-C.
Other names: c.14938C>G, p.Leu4980Val (NM_001164507.2, NM_001271208.2); c.11602-13843C>G (NM_004543.5); short protein forms L4980V.
Identifiers: ClinVar variation 390040 (VCV000390040.1), dbSNP rs1057523623, ClinGen allele CA16603869.

ClinVar aggregate classification (germline): Likely benign (1 of 4 stars; one submission).

Submission:

GeneDx
Classification: Likely benign. Last evaluated: 2016-10-28. Review status: criteria provided, single submitter. Criteria: GeneDx Variant Classification (06012015). Collection method: clinical testing. Allele origin: germline. Affected: yes.
Comment: This variant is considered likely benign or benign based on one or more of the following criteria: it is a conservative change, it occurs at a poorly conserved position in the protein, it is predicted to be benign by multiple in silico algorithms, and/or has population frequency not consistent with disease.